The following is an entry in ClinVar:

ClinVar aggregate classification (germline): Pathogenic/Likely pathogenic. Review status: criteria provided, multiple submitters, no conflicts (2 of 4 stars). 4 submissions from 4 submitters: Pathogenic (3); Likely pathogenic (1). Last evaluated 2025-10-30.

Conditions:
Hereditary cancer-predisposing syndrome. Also called: Hereditary neoplastic syndrome; Hereditary Cancer Syndrome; Neoplastic Syndromes, Hereditary; Tumor predisposition. Identifiers: Orphanet 140162, MedGen C0027672, MeSH D009386, MONDO:0015356.
Familial adenomatous polyposis 1 (FAP1). Also called: FAMILIAL ADENOMATOUS POLYPOSIS 1, ATTENUATED; POLYPOSIS, ADENOMATOUS INTESTINAL. Identifiers: MedGen C2713442, MONDO:0021056, OMIM 175100. Disease mechanism: loss of function.

Submissions (4):

Labcorp Genetics (formerly Invitae), Labcorp
Classification: Pathogenic for Familial adenomatous polyposis 1. Last evaluated: 2025-10-30. Review status: criteria provided, single submitter. Criteria: Invitae Variant Classification Sherloc (09022015). Collection method: clinical testing. Allele origin: germline.
Comment: This sequence change creates a premature translational stop signal (p.Arg2204*) in the APC gene. While this is not anticipated to result in nonsense mediated decay, it is expected to disrupt the last 640 amino acid(s) of the APC protein. This variant is not present in population databases (gnomAD no frequency). This variant has not been reported in the literature in individuals affected with APC-related conditions. ClinVar contains an entry for this variant (Variation ID: 236632). This variant is expected to disrupt the EB1 and HDLG binding sites, which mediate interactions with the cytoskeleton (PMID: 15311282, 17293347). While functional studies have not been performed to directly test the effect on APC protein function, this suggests that disruption of the C-terminal portion of the protein is functionally important. A different truncation (p.Tyr2645Lysfs*14) that lies downstream of this variant has been determined to be pathogenic (PMID: 9824584, 1316610, 27081525, 8381579, 22135120, internal data). This suggests that deletion of this region of the APC protein is causative of disease. For these reasons, this variant has been classified as Pathogenic.

Ambry Genetics
Classification: Pathogenic for Hereditary cancer-predisposing syndrome. Last evaluated: 2024-09-11. Review status: criteria provided, single submitter. Criteria: Ambry Variant Classification Scheme 2023. Collection method: clinical testing. Allele origin: germline.
Comment: The p.R2204* pathogenic mutation (also known as c.6610C>T), located in coding exon 15 of the APC gene, results from a C to T substitution at nucleotide position 6610. This changes the amino acid from an arginine to a stop codon within coding exon 15. This variant is considered to be rare based on population cohorts in the Genome Aggregation Database (gnomAD). This alteration is expected to result in loss of function by premature protein truncation. As such, this alteration is interpreted as a disease-causing mutation.

Myriad Genetics, Inc.
Classification: Pathogenic for Familial adenomatous polyposis 1. Last evaluated: 2023-05-16. Review status: criteria provided, single submitter. Criteria: Myriad Autosomal Dominant, Autosomal Recessive and X-Linked Classification Criteria (2023). Collection method: clinical testing. Allele origin: unknown.
Comment: This variant is considered pathogenic. This variant creates a termination codon and is predicted to result in premature protein truncation.

Quest Diagnostics Nichols Institute San Juan Capistrano
Classification: Likely pathogenic. Last evaluated: 2017-05-30. Review status: criteria provided, single submitter. Criteria: Quest Diagnostics criteria. Collection method: clinical testing. Allele origin: germline.

Literature cited by the submitters: PubMed 15311282 (cited by Labcorp Genetics (formerly Invitae), Labcorp); PubMed 17293347 (cited by Labcorp Genetics (formerly Invitae), Labcorp); PubMed 9824584 (cited by Labcorp Genetics (formerly Invitae), Labcorp); PubMed 1316610 (cited by Labcorp Genetics (formerly Invitae), Labcorp); PubMed 27081525 (cited by Labcorp Genetics (formerly Invitae), Labcorp); PubMed 8381579 (cited by Labcorp Genetics (formerly Invitae), Labcorp); PubMed 22135120 (cited by Labcorp Genetics (formerly Invitae), Labcorp); PubMed 23085758 (cited by Quest Diagnostics Nichols Institute San Juan Capistrano).

NM_000038.6(APC):c.6610C>T (p.Arg2204Ter)

Gene: APC (APC regulator of Wnt signaling pathway; plus strand). Cytogenetic location: 5q22.2.
Variant type: single nucleotide variant.
Coding change: c.6610C>T on transcript NM_000038.6 (MANE Select); coding-DNA position 6610, C replaced by T.
Protein change: p.Arg2204Ter; replaces arginine 2204 with a stop codon.
Molecular consequence: nonsense.
Genome position (GRCh38, 1-based): chr5:112,842,204, C>T. VCF-style: chr5-112842204-C-T. GRCh37 (hg19) VCF-style: chr5-112177901-C-T.
Other names: c.6610C>T, p.Arg2204Ter (NM_001127510.3, NM_001354895.2); c.6556C>T, p.Arg2186Ter (NM_001127511.3); c.6664C>T, p.Arg2222Ter (NM_001354896.2); c.6640C>T, p.Arg2214Ter (NM_001354897.2); c.6535C>T, p.Arg2179Ter (NM_001354898.2); c.6526C>T, p.Arg2176Ter (NM_001354899.2); c.6487C>T, p.Arg2163Ter (NM_001354900.2); c.6433C>T, p.Arg2145Ter (NM_001354901.2); and 5 more; short protein forms R2186*, R2204*, R2078*, R2113*, R2179*, R2145*, R2103*, R2163*.
Identifiers: ClinVar variation 236632 (VCV000236632.15), dbSNP rs752654519, ClinGen allele CA10582333.